The following is an entry in ClinVar:

NM_172107.4(KCNQ2):c.908C>G (p.Ser303Cys)

Gene: KCNQ2 (potassium voltage-gated channel subfamily Q member 2; minus strand). Cytogenetic location: 20q13.33.
Variant type: single nucleotide variant.
Coding change: c.908C>G on transcript NM_172107.4 (MANE Select); coding-DNA position 908, C replaced by G.
Protein change: p.Ser303Cys; replaces serine 303 with cysteine.
Molecular consequence: missense variant.
Genome position (GRCh38, 1-based): chr20:63,439,617, G>C on the plus strand (C>G on the coding strand, the complement: KCNQ2 is on the minus strand). VCF-style: chr20-63439617-G-C. GRCh37 (hg19) VCF-style: chr20-62070970-G-C.
Other names: c.908C>G, p.Ser303Cys (NM_001382235.1, NM_004518.6, NM_172106.3 and 2 more transcripts); short protein forms S303C.
Identifiers: ClinVar variation 942443 (VCV000942443.10), dbSNP rs2081098548, ClinGen allele CA409652500.

ClinVar aggregate classification (germline): Pathogenic (1 of 4 stars; one submission).

Conditions:
Early-infantile DEE. Also called: Early infantile epileptic encephalopathy; Ohtahara syndrome; Early infantile epileptic encephalopathy with suppression bursts. Identifiers: Orphanet 1934, MedGen C0393706, MONDO:0800491.

Submission:

Labcorp Genetics (formerly Invitae), Labcorp
Classification: Pathogenic for Early-infantile DEE. Last evaluated: 2023-02-22. Review status: criteria provided, single submitter. Criteria: Invitae Variant Classification Sherloc (09022015). Collection method: clinical testing. Allele origin: germline.
Comment: ClinVar contains an entry for this variant (Variation ID: 942443). For these reasons, this variant has been classified as Pathogenic. Advanced modeling of protein sequence and biophysical properties (such as structural, functional, and spatial information, amino acid conservation, physicochemical variation, residue mobility, and thermodynamic stability) performed at Invitae indicates that this missense variant is expected to disrupt KCNQ2 protein function. This missense change has been observed in individual(s) with clinical features of benign familial neonatal-infantile seizures (Invitae). In at least one individual the variant was observed to be de novo. This variant is not present in population databases (gnomAD no frequency). This sequence change replaces serine, which is neutral and polar, with cysteine, which is neutral and slightly polar, at codon 303 of the KCNQ2 protein (p.Ser303Cys).